The following is an entry in ClinVar:

ClinVar aggregate classification (germline): Benign/Likely benign. Review status: criteria provided, multiple submitters, no conflicts (2 of 4 stars). 4 submissions from 4 submitters: Benign (3); Likely benign (1). Last evaluated 2026-01-24.

Conditions:
Microcephalic osteodysplastic primordial dwarfism type II (MOPD2). Also called: Microcephalic osteodysplastic primordial dwarfism with tooth abnormalities; MOPD II; OSTEODYSPLASTIC PRIMORDIAL DWARFISM, TYPE II. Identifiers: Orphanet 2637, MedGen C0432246, MONDO:0008872, OMIM 210720.

Allele frequency attached by ClinVar (database versions not stated): gnomAD exomes 0.00113; ExAC 0.00140; 1000 Genomes Project 0.00419; gnomAD 0.00430 and 0.00457; 1000 Genomes Project 30x 0.00437; TOPMed 0.00501; ESP Exome Variant Server 0.00515.
gnomAD v4.1: 1,259 of 1,595,790 alleles (0.079%); highest among the groups gnomAD compares: African/African-American, 1.5%; 5 homozygotes.

Submissions (4):

Labcorp Genetics (formerly Invitae), Labcorp
Classification: Benign. Last evaluated: 2026-01-24. Review status: criteria provided, single submitter. Criteria: Invitae Variant Classification Sherloc (09022015). Collection method: clinical testing. Allele origin: germline.

ARUP Laboratories, Molecular Genetics and Genomics, ARUP Laboratories
Classification: Benign for Microcephalic osteodysplastic primordial dwarfism type II. Last evaluated: 2025-02-25. Review status: criteria provided, single submitter. Criteria: ARUP Molecular Germline Variant Investigation Process 2024. Collection method: clinical testing. Allele origin: germline.

Blueprint Genetics
Classification: Likely benign. Last evaluated: 2024-11-25. Review status: criteria provided, single submitter. Criteria: ACMG Guidelines, 2015. Collection method: clinical testing. Allele origin: germline.

Illumina Laboratory Services, Illumina
Classification: Benign for Microcephalic osteodysplastic primordial dwarfism type II. Last evaluated: 2018-01-13. Review status: criteria provided, single submitter. Criteria: ICSL Variant Classification Criteria 13 December 2019. Collection method: clinical testing. Allele origin: germline.
Comment: This variant was observed in the ICSL laboratory as part of a predisposition screen in an ostensibly healthy population. It had not been previously curated by ICSL or reported in the Human Gene Mutation Database (HGMD: prior to June 1st, 2018), and was therefore a candidate for classification through an automated scoring system. Utilizing variant allele frequency, disease prevalence and penetrance estimates, and inheritance mode, an automated score was calculated to assess if this variant is too frequent to cause the disease. Based on the score and internal cut-off values, a variant classified as benign is not then subjected to further curation. The score for this variant resulted in a classification of benign for this disease.

NM_006031.6(PCNT):c.9099+12G>A

Gene: PCNT (pericentrin; plus strand). Cytogenetic location: 21q22.3.
Variant type: single nucleotide variant.
Coding change: c.9099+12G>A on transcript NM_006031.6 (MANE Select); 12 bases into the intron after coding-DNA position 9099, G replaced by A.
Molecular consequence: intron variant.
Genome position (GRCh38, 1-based): chr21:46,437,093, G>A. VCF-style: chr21-46437093-G-A. GRCh37 (hg19) VCF-style: chr21-47857006-G-A.
Other names: c.8508+12G>A (NM_001315529.2).
Identifiers: ClinVar variation 897850 (VCV000897850.20), dbSNP rs140828051, ClinGen allele CA10081195.